The following is an entry in ClinVar:

NM_004385.5(VCAN):c.2601G>C (p.Glu867Asp)

Gene: VCAN (versican; plus strand). Cytogenetic location: 5q14.3.
Variant type: single nucleotide variant.
Coding change: c.2601G>C on transcript NM_004385.5 (MANE Select); coding-DNA position 2601, G replaced by C.
Protein change: p.Glu867Asp; replaces glutamic acid 867 with aspartic acid.
Molecular consequence: missense variant. On other transcripts: intron variant (2).
Genome position (GRCh38, 1-based): chr5:83,520,907, G>C. VCF-style: chr5-83520907-G-C. GRCh37 (hg19) VCF-style: chr5-82816726-G-C.
Other names: c.2601G>C, p.Glu867Asp (NM_001164098.2); c.1042+8511G>C (NM_001164097.2, NM_001126336.3); short protein forms E867D.
Identifiers: ClinVar variation 4734112 (VCV004734112.1).

ClinVar aggregate classification (germline): Uncertain significance (1 of 4 stars; one submission).

Submission:

Labcorp Genetics (formerly Invitae), Labcorp
Classification: Uncertain significance. Last evaluated: 2025-12-24. Review status: criteria provided, single submitter. Criteria: Invitae Variant Classification Sherloc (09022015). Collection method: clinical testing. Allele origin: germline.
Comment: This sequence change replaces glutamic acid, which is acidic and polar, with aspartic acid, which is acidic and polar, at codon 867 of the VCAN protein (p.Glu867Asp). This variant is not present in population databases (gnomAD no frequency). This variant has not been reported in the literature in individuals affected with VCAN-related conditions. An algorithm developed to predict the effect of missense changes on protein structure and function (PolyPhen-2) suggests that this variant is likely to be tolerated. In summary, the available evidence is currently insufficient to determine the role of this variant in disease. Therefore, it has been classified as a Variant of Uncertain Significance.